The following is an entry in ClinVar:

NM_001372044.2(SHANK3):c.2650G>T (p.Glu884Ter)

Gene: SHANK3 (SH3 and multiple ankyrin repeat domains 3; plus strand). Cytogenetic location: 22q13.33.
Variant type: single nucleotide variant.
Coding change: c.2650G>T on transcript NM_001372044.2 (MANE Select); coding-DNA position 2650, G replaced by T.
Protein change: p.Glu884Ter; replaces glutamic acid 884 with a stop codon.
Molecular consequence: nonsense.
Genome position (GRCh38, 1-based): chr22:50,720,258, G>T. VCF-style: chr22-50720258-G-T. GRCh37 (hg19) VCF-style: chr22-51158686-G-T.
Other names: c.2425G>T (NM_033517.1); short protein forms E884*.
Identifiers: ClinVar variation 4070623 (VCV004070623.2).

ClinVar aggregate classification (germline): Pathogenic (1 of 4 stars; one submission).

Submission:

GeneDx
Classification: Pathogenic. Last evaluated: 2026-05-05. Review status: criteria provided, single submitter. Criteria: GeneDx Variant Classification Process June 2021. Collection method: clinical testing. Allele origin: germline.
Comment: Identified in an individual with autism spectrum disorder, echolalia, stereotypic language, severe intellectual disability, behavioral problems, regression, and catatonia-like symptoms in the published literature (PMID: 25947967); Nonsense variant predicted to result in protein truncation or nonsense mediated decay in a gene for which loss of function is a known mechanism of disease; Not observed at significant frequency in large population cohorts (gnomAD); This variant is associated with the following publications: (PMID: 25947967)